The following is an entry in ClinVar:

ClinVar aggregate classification (germline): Uncertain significance (1 of 4 stars; one submission).

Allele frequency attached by ClinVar (database versions not stated): gnomAD 0.00001; gnomAD exomes 0.00002; ExAC 0.00003; 1000 Genomes Project 30x 0.00016; 1000 Genomes Project 0.00020.
gnomAD v4.1: 4 of 1,613,716 alleles (0.00025%); highest among the groups gnomAD compares: East Asian, 0.0089%; no homozygotes.

Submission:

Labcorp Genetics (formerly Invitae), Labcorp
Classification: Uncertain significance. Last evaluated: 2021-07-09. Review status: criteria provided, single submitter. Criteria: Invitae Variant Classification Sherloc (09022015). Collection method: clinical testing. Allele origin: germline.
Comment: In summary, the available evidence is currently insufficient to determine the role of this variant in disease. Therefore, it has been classified as a Variant of Uncertain Significance. This sequence change replaces proline with threonine at codon 2526 of the PCLO protein (p.Pro2526Thr). The proline residue is weakly conserved and there is a small physicochemical difference between proline and threonine. Algorithms developed to predict the effect of missense changes on protein structure and function output the following: SIFT: "Tolerated"; PolyPhen-2: "Not Available"; Align-GVGD: "Class C0". The threonine amino acid residue is found in multiple mammalian species, which suggests that this missense change does not adversely affect protein function. This variant has not been reported in the literature in individuals affected with PCLO-related conditions. This variant is present in population databases (rs543495751, ExAC 0.03%).

NM_033026.6(PCLO):c.7576C>A (p.Pro2526Thr)

Gene: PCLO (piccolo presynaptic cytomatrix protein; minus strand). Cytogenetic location: 7q21.11.
Variant type: single nucleotide variant.
Coding change: c.7576C>A on transcript NM_033026.6 (MANE Select); coding-DNA position 7576, C replaced by A.
Protein change: p.Pro2526Thr; replaces proline 2526 with threonine.
Molecular consequence: missense variant.
Genome position (GRCh38, 1-based): chr7:82,953,377, G>T on the plus strand (C>A on the coding strand, the complement: PCLO is on the minus strand). VCF-style: chr7-82953377-G-T. GRCh37 (hg19) VCF-style: chr7-82582693-G-T.
Other names: c.7576C>A, p.Pro2526Thr (NM_014510.3); short protein forms P2526T.
Identifiers: ClinVar variation 1473218 (VCV001473218.8), dbSNP rs543495751, ClinGen allele CA4320280.
Genomic context (GRCh38, chr7:82,953,377, plus strand): 5'-AATTTAAGGTCATACTTGAAGTTAAAGATAGGCCTGTTGGTTTGGGGTGTATATCTGTTG[G>T]TTTTTGTGTAGTTGTTGGAAGCTGAGGAATCACTGGTTTGGGGGCGATTGGAGGTTTGCT-3'
Protein context (NP_149015.2, residues 2516-2536): IPQLPTTTQK[Pro2526Thr]TDIHPKPTGL